The following is an entry in ClinVar:

NM_000203.5(IDUA):c.523_543del (p.Trp175_Asn181del)

Gene: IDUA (alpha-L-iduronidase; plus strand). Cytogenetic location: 4p16.3.
Variant type: Deletion.
Coding change: c.523_543del on transcript NM_000203.5 (MANE Select); coding-DNA positions 523 to 543, 21 bases deleted (TGGAACTTCGAGACGTGGAAT).
Protein change: p.Trp175_Asn181del.
Molecular consequence: inframe deletion. On other transcripts: non-coding transcript variant (1).
Genome position (GRCh38, 1-based): chr4:1,001,497-1,001,517, TGGAACTTCGAGACGTGGAAT deleted. VCF-style (leftmost placement, unchanged base first): chr4-1001496-GTGGAACTTCGAGACGTGGAAT-G. GRCh37 (hg19) VCF-style: chr4-995284-GTGGAACTTCGAGACGTGGAAT-G.
Other names: NM_001363576.1:c.127_147del; c.127_147del, p.Trp43_Asn49del (NM_001363576.1).
Identifiers: ClinVar variation 5016538 (VCV005016538.1).
Genomic context (GRCh38, chr4:1,001,496, plus strand): 5'-TGTGCTGGGGGGACAGCAAGGCTCCTCTGCAGGTAGGTACGGACTGGCGCATGTTTCCAA[GTGGAACTTCGAGACGTGGAAT>G]GAGCCAGACCACCACGACTTTGACAACGTCTCCATGACCATGCAAGGTGTGCACCGCTTC-3'

ClinVar aggregate classification (germline): Likely pathogenic (3 of 4 stars; one submission).

Conditions:
Mucopolysaccharidosis type 1. Also called: IDUA deficiency; MPS I; Mucopolysaccharidosis Type I. Identifiers: Orphanet 579, MedGen C0023786, MONDO:0001586.

Submission:

ClinGen Lysosomal Storage Disorder Variant Curation Expert Panel
Classification: Likely pathogenic for Mucopolysaccharidosis type 1. Last evaluated: 2026-08-17. Review status: reviewed by expert panel. Criteria: ClinGen LSD ACMG Specifications IDUA V1.2.0. Collection method: curation. Allele origin: germline. Inheritance: Autosomal recessive inheritance.
Comment: The NM_000203.4:c.523_534del variant in IDUA is an in-frame deletion that is predicted to cause loss of seven amino acids (p.Trp175_Asn181del)(PM4). This variant results in loss of amino acid Asn181, which has been shown to form part of the active site pocket of the IDUA enzyme, and therefore has been defined as a critical residue by the ClinGen Lysosomal Diseases VCEP (PMIDs: 24036510, 23959878, 24480078, 25459762) (PM1). This variant has been reported in one individual with MPS I (PMID: 35005816), who was also homozygous for the c.469T>C variant of uncertain significance. Since it is not definitively clear which of the two variants is disease-causing at this stage, PM3 has not been applied to either variant related to this case. This variant is absent in gnomAD v4.1.0. (PM2_Supporting). In silico tools both suggest a deleterious effect of this variant on the protein (Mutation Taster = "disease-causing - long indel", MutPred = 0.82461 = "pathogenic")(PP3). There is at least one other in-frame deletion (c.523_534del) in the same region which has been classified as likely pathogenic. In summary, this variant meets the criteria to be classified as likely pathogenic for MPS I based on the ACMG/AMP criteria applied, as specified by the ClinGen Lysosomal Diseases Variant Curation Expert Panel (Specifications Version 1.2.0): PM1, PM2_Supporting, PM4, PP3. (Classification approved by the ClinGen Lysosomal Diseases Variant Curation Expert Panel on August 17, 2026)